The following is an entry in ClinVar:

ClinVar aggregate classification (germline): Uncertain significance (1 of 4 stars; one submission).

Conditions:
Glycine encephalopathy. Also called: Nonketotic hyperglycinemia; Non-ketotic hyperglycinemia. Identifiers: Orphanet 407, MedGen C0751748, MONDO:0011612, HP:0008288.

Submission:

Labcorp Genetics (formerly Invitae), Labcorp
Classification: Uncertain significance for Glycine encephalopathy. Last evaluated: 2022-03-29. Review status: criteria provided, single submitter. Criteria: Invitae Variant Classification Sherloc (09022015). Collection method: clinical testing. Allele origin: germline.
Comment: This sequence change replaces isoleucine, which is neutral and non-polar, with valine, which is neutral and non-polar, at codon 926 of the GLDC protein (p.Ile926Val). This variant is not present in population databases (gnomAD no frequency). This variant has not been reported in the literature in individuals affected with GLDC-related conditions. Algorithms developed to predict the effect of missense changes on protein structure and function are either unavailable or do not agree on the potential impact of this missense change (SIFT: "Deleterious"; PolyPhen-2: "Probably Damaging"; Align-GVGD: "Class C0"). In summary, the available evidence is currently insufficient to determine the role of this variant in disease. Therefore, it has been classified as a Variant of Uncertain Significance.

NM_000170.3(GLDC):c.2776A>G (p.Ile926Val)

Gene: GLDC (glycine decarboxylase; minus strand). Cytogenetic location: 9p24.1.
Variant type: single nucleotide variant.
Coding change: c.2776A>G on transcript NM_000170.3 (MANE Select); coding-DNA position 2776, A replaced by G.
Protein change: p.Ile926Val; replaces isoleucine 926 with valine.
Molecular consequence: missense variant.
Genome position (GRCh38, 1-based): chr9:6,536,126, T>C on the plus strand (A>G on the coding strand, the complement: GLDC is on the minus strand). VCF-style: chr9-6536126-T-C. GRCh37 (hg19) VCF-style: chr9-6536126-T-C.
Other names: short protein forms I926V.
Identifiers: ClinVar variation 2080430 (VCV002080430.1), dbSNP rs2489011379, ClinGen allele CA372882608.
Genomic context (GRCh38, chr9:6,536,126, plus strand): 5'-TCAGCGGATTGACCCTGGGGTCGATGCGGCCCTCCTCAATGTCAGCAATTTCCTGCCGAA[T>C]GCTGATCATGGCATCACAGAATCTGTCCAGCTCTGCCTTGTCCTCCGACTCAGTGGGCTC-3'
Protein context (NP_000161.2, residues 916-936): LDRFCDAMIS[Ile926Val]RQEIADIEEG